The following is an entry in ClinVar:

NM_000350.3(ABCA4):c.6521C>T (p.Pro2174Leu)

Gene: ABCA4 (ATP binding cassette subfamily A member 4; minus strand). Cytogenetic location: 1p22.1.
Variant type: single nucleotide variant.
Coding change: c.6521C>T on transcript NM_000350.3 (MANE Select); coding-DNA position 6521, C replaced by T.
Protein change: p.Pro2174Leu; replaces proline 2174 with leucine.
Molecular consequence: missense variant.
Genome position (GRCh38, 1-based): chr1:93,998,069, G>A on the plus strand (C>T on the coding strand, the complement: ABCA4 is on the minus strand). VCF-style: chr1-93998069-G-A. GRCh37 (hg19) VCF-style: chr1-94463625-G-A.
Other names: c.6299C>T, p.Pro2100Leu (NM_001425324.1); short protein forms P2174L, P2100L.
Identifiers: ClinVar variation 961435 (VCV000961435.11), dbSNP rs756641536, ClinGen allele CA956850.
Genomic context (GRCh38, chr1:93,998,069, plus strand): 5'-GGGAAGTTCCCCTGGAAGAACTGCTCCACAGGGTTCAGGTCAGGAAGCAGGTCGTCCTTC[G>A]GGGATTTGATCTTCATTGTGACGATATAGCCATCTCCAAATCTAGGGGATGCACACAGTG-3'
Protein context (NP_000341.2, residues 2164-2184): GYIVTMKIKS[Pro2174Leu]KDDLLPDLNP

ClinVar aggregate classification (germline): Uncertain significance. Review status: criteria provided, multiple submitters, no conflicts (2 of 4 stars). 3 submissions from 3 submitters: Uncertain significance (3). Last evaluated 2024-12-02.

Conditions:
Inborn genetic diseases. Identifiers: MedGen C0950123, MeSH D030342.

Allele frequency attached by ClinVar (database versions not stated): gnomAD exomes below 0.00001 and 0.00001; ExAC 0.00001.
gnomAD v4.1: 12 of 1,614,152 alleles (0.00074%); highest among the groups gnomAD compares: Admixed American, 0.0017%; no homozygotes.

Submissions (3):

Labcorp Genetics (formerly Invitae), Labcorp
Classification: Uncertain significance. Last evaluated: 2024-12-02. Review status: criteria provided, single submitter. Criteria: Invitae Variant Classification Sherloc (09022015). Collection method: clinical testing. Allele origin: germline.
Comment: This sequence change replaces proline, which is neutral and non-polar, with leucine, which is neutral and non-polar, at codon 2174 of the ABCA4 protein (p.Pro2174Leu). This variant is present in population databases (rs756641536, gnomAD 0.003%). This variant has not been reported in the literature in individuals affected with ABCA4-related conditions. ClinVar contains an entry for this variant (Variation ID: 961435). Invitae Evidence Modeling of protein sequence and biophysical properties (such as structural, functional, and spatial information, amino acid conservation, physicochemical variation, residue mobility, and thermodynamic stability) has been performed for this missense variant. However, the output from this modeling did not meet the statistical confidence thresholds required to predict the impact of this variant on ABCA4 protein function. In summary, the available evidence is currently insufficient to determine the role of this variant in disease. Therefore, it has been classified as a Variant of Uncertain Significance.

Ambry Genetics
Classification: Uncertain significance for Inborn genetic diseases. Last evaluated: 2024-05-21. Review status: criteria provided, single submitter. Criteria: Ambry Variant Classification Scheme 2023. Collection method: clinical testing. Allele origin: germline.

Blueprint Genetics
Classification: Uncertain significance. Last evaluated: 2019-02-08. Review status: criteria provided, single submitter. Criteria: ACMG Guidelines, 2015. Collection method: clinical testing. Allele origin: germline.